The following is an entry in ClinVar:

NM_018897.3(DNAH7):c.7782A>T (p.Lys2594Asn)

Genes: DNAH7 (dynein axonemal heavy chain 7; minus strand), LOC126806457 (BRD4-independent group 4 enhancer GRCh37_chr2:196722945-196724144; plus strand). Cytogenetic location: 2q32.3.
Variant type: single nucleotide variant.
Coding change: c.7782A>T on transcript NM_018897.3 (MANE Select); coding-DNA position 7782, A replaced by T.
Protein change: p.Lys2594Asn; replaces lysine 2594 with asparagine.
Molecular consequence: missense variant.
Genome position (GRCh38, 1-based): chr2:195,858,759, T>A on the plus strand (A>T on the coding strand, the complement: DNAH7 is on the minus strand). VCF-style: chr2-195858759-T-A. GRCh37 (hg19) VCF-style: chr2-196723483-T-A.
Other names: short protein forms K2594N.
Identifiers: ClinVar variation 3342630 (VCV003342630.2).

ClinVar aggregate classification (germline): Uncertain significance (1 of 4 stars; one submission).

gnomAD v4.1: 4 of 1,613,556 alleles (0.00025%); highest among the groups gnomAD compares: Non-Finnish European, 0.00034%; no homozygotes.

Submission:

GeneDx
Classification: Uncertain significance. Last evaluated: 2025-02-13. Review status: criteria provided, single submitter. Criteria: GeneDx Variant Classification Process June 2021. Collection method: clinical testing. Allele origin: germline.
Comment: Not observed at significant frequency in large population cohorts (gnomAD); In silico analysis supports that this missense variant has a deleterious effect on protein structure/function; Has not been previously published as pathogenic or benign to our knowledge